The following is an entry in ClinVar:

NM_002485.5(NBN):c.2185-12T>G

Gene: NBN (nibrin; minus strand). Cytogenetic location: 8q21.3.
Variant type: single nucleotide variant.
Coding change: c.2185-12T>G on transcript NM_002485.5 (MANE Select); 12 bases into the intron before coding-DNA position 2185, T replaced by G.
Molecular consequence: intron variant.
Genome position (GRCh38, 1-based): chr8:89,937,087, A>C on the plus strand (T>G on the coding strand, the complement: NBN is on the minus strand). VCF-style: chr8-89937087-A-C. GRCh37 (hg19) VCF-style: chr8-90949315-A-C.
Other names: c.1939-12T>G (NM_001024688.3).
Identifiers: ClinVar variation 1531298 (VCV001531298.9), dbSNP rs373516568, ClinGen allele CA181268811.

ClinVar aggregate classification (germline): Conflicting classifications of pathogenicity. Review status: criteria provided, conflicting classifications (1 of 4 stars). 2 submissions from 2 submitters: Uncertain significance (1); Likely benign (1). Last evaluated 2021-07-01.

Conditions:
Hereditary cancer-predisposing syndrome. Also called: Tumor predisposition; Hereditary neoplastic syndrome; Neoplastic Syndromes, Hereditary; Hereditary Cancer Syndrome. Identifiers: Orphanet 140162, MedGen C0027672, MeSH D009386, MONDO:0015356.
Microcephaly, normal intelligence and immunodeficiency (NBS). Also called: SEEMANOVA SYNDROME II; Ataxia telangiectasia variant V1; BERLIN BREAKAGE SYNDROME; Immunodeficiency, microcephaly with normal intelligence; Nijmegen breakage syndrome; Microcephaly with normal intelligence immunodeficiency and lymphoreticular malignancies. Identifiers: Orphanet 647, MedGen C0398791, MONDO:0009623, OMIM 251260.

Allele frequency attached by ClinVar (database versions not stated): gnomAD exomes 0.00001; TOPMed 0.00001; ESP Exome Variant Server 0.00008.

Submissions (2):

Sema4
Classification: Uncertain significance for Hereditary cancer-predisposing syndrome. Last evaluated: 2021-07-01. Review status: criteria provided, single submitter. Criteria: Sema4 Curation Guidelines. Collection method: curation. Allele origin: germline.
Comment: The NBN c.2185-12T>G variant has not been reported in the literature to our knowledge. It was observed in 2/15592 chromosomes of the African/African American subpopulation in the large and broad cohorts of the Genome Aggregation Database (PMID: 32461654). The variant has not been reported in ClinVar. Splice site prediction tools suggest the variant does not disrupt normal splicing, however these predictions have not been confirmed by published transcriptional studies. The evidence is insufficient to meet ACMG/AMP criteria for classifying the variant as benign or pathogenic. Thus, the clinical significance of this variant is currently uncertain.

Labcorp Genetics (formerly Invitae), Labcorp
Classification: Likely benign for Microcephaly, normal intelligence and immunodeficiency. Last evaluated: 2021-05-28. Review status: criteria provided, single submitter. Criteria: Invitae Variant Classification Sherloc (09022015). Collection method: clinical testing. Allele origin: germline.